The following is an entry in ClinVar:

NM_030973.4(MED25):c.309C>A (p.Phe103Leu)

Gene: MED25 (mediator complex subunit 25; plus strand). Cytogenetic location: 19q13.33.
Variant type: single nucleotide variant.
Coding change: c.309C>A on transcript NM_030973.4 (MANE Select); coding-DNA position 309, C replaced by A.
Protein change: p.Phe103Leu; replaces phenylalanine 103 with leucine.
Molecular consequence: missense variant.
Genome position (GRCh38, 1-based): chr19:49,828,452, C>A. VCF-style: chr19-49828452-C-A. GRCh37 (hg19) VCF-style: chr19-50331709-C-A.
Other names: c.309C>A, p.Phe103Leu (NM_001378355.1); short protein forms F103L.
Identifiers: ClinVar variation 854157 (VCV000854157.11), dbSNP rs918394135, ClinGen allele CA309512419.

ClinVar aggregate classification (germline): Conflicting classifications of pathogenicity. Review status: criteria provided, conflicting classifications (1 of 4 stars). 3 submissions from 3 submitters: Likely pathogenic (1); Uncertain significance (2). Last evaluated 2025-01-31.

Conditions:
Inborn genetic diseases. Identifiers: MedGen C0950123, MeSH D030342.
Neurodevelopmental delay. Identifiers: MedGen C4022738, HP:0012758.
Charcot-Marie-Tooth disease type 2. Also called: Charcot-Marie-Tooth type 2. Identifiers: Orphanet 64746, MedGen C0270914, MONDO:0018993.

Allele frequency attached by ClinVar (database versions not stated): TOPMed 0.00002; gnomAD 0.00004; gnomAD exomes 0.00001.
gnomAD v4.1: 16 of 1,612,978 alleles (0.00099%); highest among the groups gnomAD compares: Non-Finnish European, 0.0014%; no homozygotes.

Submissions (3):

Ambry Genetics
Classification: Uncertain significance for Inborn genetic diseases. Last evaluated: 2025-01-31. Review status: criteria provided, single submitter. Criteria: Ambry Variant Classification Scheme 2023. Collection method: clinical testing. Allele origin: germline.

Labcorp Genetics (formerly Invitae), Labcorp
Classification: Uncertain significance for Charcot-Marie-Tooth disease type 2. Last evaluated: 2020-08-06. Review status: criteria provided, single submitter. Criteria: Invitae Variant Classification Sherloc (09022015). Collection method: clinical testing. Allele origin: germline.
Comment: In summary, the available evidence is currently insufficient to determine the role of this variant in disease. Therefore, it has been classified as a Variant of Uncertain Significance. Algorithms developed to predict the effect of sequence changes on RNA splicing suggest that this variant may create or strengthen a splice site, but this prediction has not been confirmed by published transcriptional studies. Algorithms developed to predict the effect of missense changes on protein structure and function are either unavailable or do not agree on the potential impact of this missense change (SIFT: "Deleterious"; PolyPhen-2: "Probably Damaging"; Align-GVGD: "Class C0"). This variant has not been reported in the literature in individuals with MED25-related conditions. This variant is not present in population databases (ExAC no frequency). This sequence change replaces phenylalanine with leucine at codon 103 of the MED25 protein (p.Phe103Leu). The phenylalanine residue is highly conserved and there is a small physicochemical difference between phenylalanine and leucine.

Centre de Biologie Pathologie Génétique, Centre Hospitalier Universitaire de Lille
Classification: Likely pathogenic for Neurodevelopmental delay. Review status: criteria provided, single submitter. Criteria: ACMG Guidelines, 2015. Collection method: clinical testing. Allele origin: biparental. Affected: yes.